The following is an entry in ClinVar:

ClinVar aggregate classification (germline): Uncertain significance (1 of 4 stars; one submission).

Conditions:
Neuronopathy, distal hereditary motor, type 7A. Also called: SPINAL MUSCULAR ATROPHY, DISTAL, WITH VOCAL CORD PARALYSIS; Neuronopathy, distal hereditary motor, type viia; NEURONOPATHY, DISTAL HEREDITARY MOTOR, HARDING TYPE VIIA; NEUROPATHY, DISTAL HEREDITARY MOTOR, HARDING TYPE VIIA; Neuronopathy, distal hereditary motor, autosomal dominant 7; HARPER-YOUNG MYOPATHY. Identifiers: Orphanet 139589, MedGen C1834703, MONDO:0008024, OMIM 158580.
Congenital myasthenic syndrome 20. Also called: Myasthenic syndrome, congenital, 20, presynaptic. Identifiers: MedGen C4310694, MONDO:0014939, OMIM 617143.

Submission:

Labcorp Genetics (formerly Invitae), Labcorp
Classification: Uncertain significance for Neuronopathy, distal hereditary motor, type 7A; Congenital myasthenic syndrome 20. Last evaluated: 2022-08-16. Review status: criteria provided, single submitter. Criteria: Invitae Variant Classification Sherloc (09022015). Collection method: clinical testing. Allele origin: germline.
Comment: In summary, the available evidence is currently insufficient to determine the role of this variant in disease. Therefore, it has been classified as a Variant of Uncertain Significance. Algorithms developed to predict the effect of missense changes on protein structure and function are either unavailable or do not agree on the potential impact of this missense change (SIFT: "Deleterious"; PolyPhen-2: "Probably Damaging"; Align-GVGD: "Class C0"). This variant has not been reported in the literature in individuals affected with SLC5A7-related conditions. This variant is not present in population databases (gnomAD no frequency). This sequence change replaces leucine, which is neutral and non-polar, with arginine, which is basic and polar, at codon 93 of the SLC5A7 protein (p.Leu93Arg).

NM_021815.5(SLC5A7):c.278T>G (p.Leu93Arg)

Gene: SLC5A7 (solute carrier family 5 member 7; plus strand). Cytogenetic location: 2q12.3.
Variant type: single nucleotide variant.
Coding change: c.278T>G on transcript NM_021815.5 (MANE Select); coding-DNA position 278, T replaced by G.
Protein change: p.Leu93Arg; replaces leucine 93 with arginine.
Molecular consequence: missense variant. On other transcripts: 5 prime UTR variant (2).
Genome position (GRCh38, 1-based): chr2:107,992,205, T>G. VCF-style: chr2-107992205-T-G. GRCh37 (hg19) VCF-style: chr2-108608661-T-G.
Other names: c.278T>G, p.Leu93Arg (NM_001305005.3); c.-38T>G (NM_001305006.3); c.-427T>G (NM_001305007.3); short protein forms L93R.
Identifiers: ClinVar variation 2058634 (VCV002058634.4), dbSNP rs2467062356, ClinGen allele CA348020614.